The following is an entry in ClinVar:

NM_015512.5(DNAH1):c.11481C>T (p.Asn3827=)

Gene: DNAH1 (dynein axonemal heavy chain 1; plus strand). Cytogenetic location: 3p21.1.
Variant type: single nucleotide variant.
Coding change: c.11481C>T on transcript NM_015512.5 (MANE Select); coding-DNA position 11481, C replaced by T.
Protein change: p.Asn3827=; no amino-acid change (asparagine 3827 retained).
Molecular consequence: synonymous variant.
Genome position (GRCh38, 1-based): chr3:52,396,668, C>T. VCF-style: chr3-52396668-C-T. GRCh37 (hg19) VCF-style: chr3-52430684-C-T.
Identifiers: ClinVar variation 478399 (VCV000478399.37), dbSNP rs144605025, ClinGen allele CA2436186.
Genomic context (GRCh38, chr3:52,396,668, plus strand): 5'-CCTCCCCCAGGTGATGGAGTTCAAGTCTCTGCTGCTGTCTCTGTGCTTGTTCCATGGGAA[C>T]GCCCTGGAGCGCCGTAAGTTTGGGCCCCTGGGCTTCAACATCCCCTATGAGTTCACGGAT-3'
Protein context (NP_056327.4, residues 3817-3837): LLLSLCLFHG[Asn3827=]ALERRKFGPL

ClinVar aggregate classification (germline): Likely benign. Review status: criteria provided, multiple submitters, no conflicts (2 of 4 stars). 5 submissions from 5 submitters: Likely benign (4). 1 of the submissions does not count toward it. Last evaluated 2026-01-12.

Conditions:
DNAH1-related disorder. Also called: DNAH1-related condition.
Spermatogenic failure 18. Identifiers: MedGen C4539783, MONDO:0054615, OMIM 617576.
Ciliary dyskinesia, primary, 37 (CILD37). Also called: CILIARY DYSKINESIA, PRIMARY, 37, WITH OR WITHOUT SITUS INVERSUS. Identifiers: MedGen C4539798, MONDO:0033204, OMIM 617577.

Allele frequency attached by ClinVar (database versions not stated): gnomAD exomes 0.00087; TOPMed 0.00087; gnomAD 0.00088 and 0.00089; ESP Exome Variant Server 0.00089; ExAC 0.00091; 1000 Genomes Project 0.00140; 1000 Genomes Project 30x 0.00141.
gnomAD v4.1: 1,868 of 1,613,658 alleles (0.12%); highest among the groups gnomAD compares: Non-Finnish European, 0.14%; 2 homozygotes.

Submissions (5):

Labcorp Genetics (formerly Invitae), Labcorp
Classification: Likely benign for Ciliary dyskinesia, primary, 37; Spermatogenic failure 18. Last evaluated: 2026-01-12. Review status: criteria provided, single submitter. Criteria: Invitae Variant Classification Sherloc (09022015). Collection method: clinical testing. Allele origin: germline.

CeGaT Center for Human Genetics Tuebingen
Classification: Likely benign. Last evaluated: 2025-01-01. Review status: criteria provided, single submitter. Criteria: CeGaT Center For Human Genetics Tuebingen Variant Classification Criteria Version 2. Collection method: clinical testing. Allele origin: germline. Affected: yes. Observed: 3 variant alleles.
Comment: DNAH1: BP4, BP7

Blueprint Genetics
Classification: Likely benign. Last evaluated: 2024-10-30. Review status: criteria provided, single submitter. Criteria: ACMG Guidelines, 2015. Collection method: clinical testing. Allele origin: germline.

Breakthrough Genomics
Classification: Likely benign. Review status: criteria provided, single submitter. Criteria: ACMG Guidelines, 2015. Collection method: not provided. Allele origin: germline. Inheritance: Autosomal recessive inheritance. Affected: yes.

PreventionGenetics, part of Exact Sciences
Classification: Likely benign for DNAH1-related condition. Last evaluated: 2020-02-28. Review status: no assertion criteria provided. Collection method: clinical testing. Allele origin: germline. Not counted in ClinVar's aggregate classification.
Comment: This variant is classified as likely benign based on ACMG/AMP sequence variant interpretation guidelines (Richards et al. 2015 PMID: 25741868, with internal and published modifications).